The following is an entry in ClinVar:

ClinVar aggregate classification (germline): Uncertain significance (1 of 4 stars; one submission).

Conditions:
Ataxia-telangiectasia syndrome (AT). Also called: LOUIS-BAR SYNDROME; ATAXIA-TELANGIECTASIA, COMPLEMENTATION GROUP A; ATAXIA-TELANGIECTASIA, FRESNO VARIANT; Ataxia-telangiectasia, complementation group D; AT, COMPLEMENTATION GROUP C; Ataxia-telangiectasia. Identifiers: Orphanet 100, MedGen C0004135, MONDO:0008840, OMIM 208900.

Submission:

Labcorp Genetics (formerly Invitae), Labcorp
Classification: Uncertain significance for Ataxia-telangiectasia syndrome. Last evaluated: 2025-01-20. Review status: criteria provided, single submitter. Criteria: Invitae Variant Classification Sherloc (09022015). Collection method: clinical testing. Allele origin: germline.
Comment: This sequence change falls in intron 10 of the ATM gene. It does not directly change the encoded amino acid sequence of the ATM protein. This variant is not present in population databases (gnomAD no frequency). This variant has not been reported in the literature in individuals affected with ATM-related conditions. Experimental studies and prediction algorithms are not available or were not evaluated, and the effect of this variant on mRNA splicing is currently unknown. In summary, the available evidence is currently insufficient to determine the role of this variant in disease. Therefore, it has been classified as a Variant of Uncertain Significance.

NM_000051.4(ATM):c.1608-40_1608-8del

Gene: ATM (ATM serine/threonine kinase; plus strand). Cytogenetic location: 11q22.3.
Variant type: Deletion.
Coding change: c.1608-40_1608-8del on transcript NM_000051.4 (MANE Select); 40 bases into the intron before coding-DNA position 1608 through 8 bases into the intron before coding-DNA position 1608, 33 bases deleted.
Molecular consequence: intron variant.
Genome position (GRCh38, 1-based): chr11:108,251,797-108,251,829, 33 bases deleted. GRCh37 (hg19): chr11:108,122,524-108,122,556.
Other names: c.1608-40_1608-8del (NM_001351834.2).
Identifiers: ClinVar variation 3673147 (VCV003673147.2).